The following is an entry in ClinVar:

ClinVar aggregate classification (germline): Benign (1 of 4 stars; one submission).

Allele frequency attached by ClinVar (database versions not stated): gnomAD 0.02540 and 0.02731; 1000 Genomes Project 0.02716; TOPMed 0.02862; 1000 Genomes Project 30x 0.02951.
gnomAD v4.1: 3,834 of 152,258 alleles (2.5%); highest among the groups gnomAD compares: African/African-American, 8.7%; 139 homozygotes.

Submission:

GeneDx
Classification: Benign. Last evaluated: 2018-06-19. Review status: criteria provided, single submitter. Criteria: GeneDx Variant Classification (06012015). Collection method: clinical testing. Allele origin: germline. Affected: yes.
Comment: This variant is considered likely benign or benign based on one or more of the following criteria: it is a conservative change, it occurs at a poorly conserved position in the protein, it is predicted to be benign by multiple in silico algorithms, and/or has population frequency not consistent with disease.

NM_002887.4(RARS1):c.1626-259C>A

Gene: RARS1 (arginyl-tRNA synthetase 1; plus strand). Cytogenetic location: 5q34.
Variant type: single nucleotide variant.
Coding change: c.1626-259C>A on transcript NM_002887.4 (MANE Select); 259 bases into the intron before coding-DNA position 1626, C replaced by A.
Molecular consequence: intron variant.
Genome position (GRCh38, 1-based): chr5:168,517,556, C>A. VCF-style: chr5-168517556-C-A. GRCh37 (hg19) VCF-style: chr5-167944561-C-A.
Identifiers: ClinVar variation 674148 (VCV000674148.1), dbSNP rs10075191, ClinGen allele CA131953404.